The following is an entry in ClinVar:

ClinVar aggregate classification (germline): Likely pathogenic (1 of 4 stars; one submission).

Submission:

Labcorp Genetics (formerly Invitae), Labcorp
Classification: Likely pathogenic. Last evaluated: 2022-11-29. Review status: criteria provided, single submitter. Criteria: Invitae Variant Classification Sherloc (09022015). Collection method: clinical testing. Allele origin: germline.
Comment: In summary, the currently available evidence indicates that the variant is pathogenic, but additional data are needed to prove that conclusively. Therefore, this variant has been classified as Likely Pathogenic. This sequence change replaces glycine, which is neutral and non-polar, with valine, which is neutral and non-polar, at codon 4139 of the USH2A protein (p.Gly4139Val). This variant is not present in population databases (gnomAD no frequency). This missense change has been observed in individual(s) with retinitis pigmentosa (Invitae). In at least one individual the data is consistent with being in trans (on the opposite chromosome) from a pathogenic variant. ClinVar contains an entry for this variant (Variation ID: 1491141). Advanced modeling of protein sequence and biophysical properties (such as structural, functional, and spatial information, amino acid conservation, physicochemical variation, residue mobility, and thermodynamic stability) performed at Invitae indicates that this missense variant is expected to disrupt USH2A protein function.

NM_206933.4(USH2A):c.12416G>T (p.Gly4139Val)

Gene: USH2A (usherin; minus strand). Cytogenetic location: 1q41.
Variant type: single nucleotide variant.
Coding change: c.12416G>T on transcript NM_206933.4 (MANE Select); coding-DNA position 12416, G replaced by T.
Protein change: p.Gly4139Val; replaces glycine 4139 with valine.
Molecular consequence: missense variant.
Genome position (GRCh38, 1-based): chr1:215,675,495, C>A on the plus strand (G>T on the coding strand, the complement: USH2A is on the minus strand). VCF-style: chr1-215675495-C-A. GRCh37 (hg19) VCF-style: chr1-215848837-C-A.
Other names: short protein forms G4139V.
Identifiers: ClinVar variation 1491141 (VCV001491141.6), dbSNP rs1366681759, ClinGen allele CA344850974.